The following is an entry in ClinVar:

ClinVar aggregate classification (germline): Uncertain significance (1 of 4 stars; one submission).

Allele frequency attached by ClinVar (database versions not stated): TOPMed 0.00001; gnomAD exomes 0.00002; gnomAD 0.00003.
gnomAD v4.1: 37 of 1,551,836 alleles (0.0024%); highest among the groups gnomAD compares: Non-Finnish European, 0.0033%; no homozygotes.

Submissions (2):

Labcorp Genetics (formerly Invitae), Labcorp
Classification: Uncertain significance. Last evaluated: 2023-10-26. Review status: criteria provided, single submitter. Criteria: Invitae Variant Classification Sherloc (09022015). Collection method: clinical testing. Allele origin: germline.
Comment: This sequence change replaces lysine, which is basic and polar, with asparagine, which is neutral and polar, at codon 517 of the POLE2 protein (p.Lys517Asn). This variant is present in population databases (rs557169102, gnomAD 0.003%). This variant has not been reported in the literature in individuals affected with POLE2-related conditions. An algorithm developed to predict the effect of missense changes on protein structure and function (PolyPhen-2) suggests that this variant is likely to be tolerated. In summary, the available evidence is currently insufficient to determine the role of this variant in disease. Therefore, it has been classified as a Variant of Uncertain Significance.

Dr. Peter K. Rogan Lab, Western University
No classification provided (evidence only). Condition: Ovarian serous cystadenocarcinoma. Review status: no classification provided. Collection method: in vitro. Allele origin: not applicable. Functional consequence: retained intron. Not counted in ClinVar's aggregate classification.

NM_002692.4(POLE2):c.1551G>C (p.Lys517Asn)

Gene: POLE2 (DNA polymerase epsilon 2, accessory subunit; minus strand). Cytogenetic location: 14q21.3.
Variant type: single nucleotide variant.
Coding change: c.1551G>C on transcript NM_002692.4 (MANE Select); coding-DNA position 1551, G replaced by C.
Protein change: p.Lys517Asn; replaces lysine 517 with asparagine.
Molecular consequence: missense variant.
Genome position (GRCh38, 1-based): chr14:49,647,307, C>G on the plus strand (G>C on the coding strand, the complement: POLE2 is on the minus strand). VCF-style: chr14-49647307-C-G. GRCh37 (hg19) VCF-style: chr14-50114025-C-G.
Other names: c.1473G>C, p.Lys491Asn (NM_001197330.2); c.1548G>C, p.Lys516Asn (NM_001348384.2); c.1320G>C, p.Lys440Asn (NM_001348385.2); short protein forms K516N, K440N, K491N, K517N.
Identifiers: ClinVar variation 2714147 (VCV002714147.4), dbSNP rs557169102, ClinGen allele CA260682342.
Genomic context (GRCh38, chr14:49,647,307, plus strand): 5'-ACACCTAGAGAAAGATCTTTCTTGCTGTGTCTGTGCACACACTTACCTATCTTCTACTGT[C>G]TTATTAGAAGGATAAAAAACTTTGAATGAAAATCCACTTCTTGGAAAAGAGCCCTTTGGG-3'
Protein context (NP_002683.2, residues 507-527): FSFKVFYPSN[Lys517Asn]TVEDSKLQGF